The following is an entry in ClinVar:

ClinVar aggregate classification (germline): Uncertain significance (1 of 4 stars; one submission).

Submission:

CeGaT Center for Human Genetics Tuebingen
Classification: Uncertain significance. Last evaluated: 2026-04-01. Review status: criteria provided, single submitter. Criteria: CeGaT Center For Human Genetics Tuebingen Variant Classification Criteria Version 2. Collection method: clinical testing. Allele origin: germline. Affected: yes. Observed: 3 variant alleles.
Comment: CITED2: PS4:Moderate, PS3:Supporting

NM_006079.5(CITED2):c.-218C>T

Gene: CITED2 (Cbp/p300 interacting transactivator with ED-rich tail 2; minus strand). Cytogenetic location: 6q24.1.
Variant type: single nucleotide variant.
Coding change: c.-218C>T on transcript NM_006079.5 (MANE Select); 218 bases upstream of the start codon, C replaced by T.
Molecular consequence: 5 prime UTR variant.
Genome position (GRCh38, 1-based): chr6:139,374,622, G>A on the plus strand (C>T on the coding strand, the complement: CITED2 is on the minus strand). VCF-style: chr6-139374622-G-A. GRCh37 (hg19) VCF-style: chr6-139695759-G-A.
Identifiers: ClinVar variation 4281253 (VCV004281253.7).
Genomic context (GRCh38, chr6:139,374,622, plus strand): 5'-GCAGATTCGGAGCCGTTCCCTTTTATTTCCCCTCCGTTGCCCTCACAGCTCGGCAGGACC[G>A]CCCGGCAGCTGCCAACAATGAGCTGTGTTTCTTAGGGCTTTGGCCACAGTTAATATAGGC-3'